The following is an entry in ClinVar:

ClinVar aggregate classification (germline): Pathogenic (1 of 4 stars; one submission).

Conditions:
Familial adenomatous polyposis 1 (FAP1). Also called: POLYPOSIS, ADENOMATOUS INTESTINAL; FAMILIAL ADENOMATOUS POLYPOSIS 1, ATTENUATED. Identifiers: MedGen C2713442, MONDO:0021056, OMIM 175100. Disease mechanism: loss of function.

Submission:

Labcorp Genetics (formerly Invitae), Labcorp
Classification: Pathogenic for Familial adenomatous polyposis 1. Last evaluated: 2019-03-13. Review status: criteria provided, single submitter. Criteria: Invitae Variant Classification Sherloc (09022015). Collection method: clinical testing. Allele origin: germline.
Comment: For these reasons, this variant has been classified as Pathogenic. Donor and acceptor splice site variants typically lead to a loss of protein function (PMID: 16199547), and loss-of-function variants in APC are known to be pathogenic (PMID: 17963004, 20685668). Experimental studies using mRNA extracted from peripheral blood cells of an affected individual have shown that this variant results in aberrant splicing (PMID: 10083733). This variant has been observed in an individual affected with familial adenomatous polyposis (PMID: 10083733). This variant is described as an ag/TT -> cg/TT change at the splice acceptor site of exon5 in the literature. This variant is not present in population databases (ExAC no frequency). This sequence change affects an acceptor splice site in intron 5 of the APC gene. It is expected to disrupt RNA splicing and likely results in an absent or disrupted protein product.

Literature cited by the submitters: PubMed 16199547; PubMed 17963004; PubMed 20685668; PubMed 10083733.

NM_000038.6(APC):c.532-2A>C

Gene: APC (APC regulator of Wnt signaling pathway; plus strand). Cytogenetic location: 5q22.2.
Variant type: single nucleotide variant.
Coding change: c.532-2A>C on transcript NM_000038.6 (MANE Select); the canonical splice acceptor site of the intron before coding-DNA position 532, A replaced by C.
Molecular consequence: splice acceptor variant.
Genome position (GRCh38, 1-based): chr5:112,780,788, A>C. VCF-style: chr5-112780788-A-C. GRCh37 (hg19) VCF-style: chr5-112116485-A-C.
Other names: c.-504-2A>C (NM_001407470.1, NM_001407472.1, NM_001354906.2 and 1 more transcripts); c.532-2A>C (NM_001407447.1, NM_001354895.2, NM_001407456.1 and 16 more transcripts); c.562-2A>C (NM_001407446.1, NM_001354897.2, NM_001354902.2 and 1 more transcripts); c.355-2A>C (NM_001407453.1, NM_001354900.2, NM_001354901.2 and 1 more transcripts); c.457-2A>C (NM_001407451.1, NM_001354898.2, NM_001354904.2).
Identifiers: ClinVar variation 666011 (VCV000666011.10), dbSNP rs752152148, ClinGen allele CA360617493.